The following is an entry in ClinVar:

NM_024408.4(NOTCH2):c.4810_4811del (p.Arg1604fs)

Gene: NOTCH2 (notch receptor 2; minus strand). Cytogenetic location: 1p12.
Variant type: Microsatellite.
Coding change: c.4810_4811del on transcript NM_024408.4 (MANE Select); coding-DNA positions 4810 to 4811, 2 bases deleted (AG; older notation c.4810_4811delAG).
Protein change: p.Arg1604fs; shifts the reading frame from arginine 1604.
Molecular consequence: frameshift variant.
Genome position (GRCh38, 1-based): chr1:119,923,685-119,923,686, CT deleted on the plus strand (AG on the coding strand, the reverse complement: NOTCH2 is on the minus strand); deleting any 2 consecutive bases within chr1:119,923,685-119,923,688 gives the same sequence; the c. name uses the placement nearest the transcript's 3' end. VCF-style (leftmost placement, unchanged base first): chr1-119923684-CCT-C. GRCh37 (hg19) VCF-style: chr1-120466307-CCT-C.
Other names: short protein forms R1604fs.
Identifiers: ClinVar variation 2850278 (VCV002850278.3), dbSNP rs2526140861, ClinGen allele CA645528313.

ClinVar aggregate classification (germline): Pathogenic (1 of 4 stars; one submission).

Conditions:
Hajdu-Cheney syndrome (HJCYS). Also called: ACROOSTEOLYSIS WITH OSTEOPOROSIS AND CHANGES IN SKULL AND MANDIBLE; SERPENTINE FIBULA-POLYCYSTIC KIDNEY SYNDROME; Acroosteolysis dominant type. Identifiers: Orphanet 955, MedGen C0917715, MONDO:0007057, OMIM 102500.

Submission:

Labcorp Genetics (formerly Invitae), Labcorp
Classification: Pathogenic for Hajdu-Cheney syndrome. Last evaluated: 2023-03-27. Review status: criteria provided, single submitter. Criteria: Invitae Variant Classification Sherloc (09022015). Collection method: clinical testing. Allele origin: germline.
Comment: For these reasons, this variant has been classified as Pathogenic. This variant has not been reported in the literature in individuals affected with NOTCH2-related conditions. This variant is not present in population databases (gnomAD no frequency). This sequence change creates a premature translational stop signal (p.Arg1604Aspfs*9) in the NOTCH2 gene. It is expected to result in an absent or disrupted protein product. Loss-of-function variants in NOTCH2 are known to be pathogenic (PMID: 16773578, 22209762).

Literature cited by the submitters: PubMed 16773578; PubMed 22209762.